The following is an entry in ClinVar:

ClinVar aggregate classification (germline): Pathogenic. Review status: criteria provided, multiple submitters, no conflicts (2 of 4 stars). 2 submissions from 2 submitters: Pathogenic (2). Last evaluated 2024-04-10.

Conditions:
Charcot-Marie-Tooth disease, axonal, with vocal cord paresis, autosomal recessive. Also called: CHARCOT-MARIE-TOOTH DISEASE, TYPE 4A, AXONAL FORM; CHARCOT-MARIE-TOOTH NEUROPATHY, AXONAL, WITH VOCAL CORD PARESIS, AUTOSOMAL RECESSIVE; CMT2 WITH VOCAL CORD PARESIS, AUTOSOMAL RECESSIVE. Identifiers: Orphanet 101097, MedGen C1843183, MONDO:0011898, OMIM 607706.
Charcot-Marie-Tooth disease type 4A. Also called: Charcot-Marie-Tooth disease, demyelinating, autosomal recessive, type 4a. Identifiers: Orphanet 99948, MedGen C1859198, MONDO:0008961, OMIM 214400.
Charcot-Marie-Tooth disease recessive intermediate A (CMTRIA). Also called: CHARCOT-MARIE-TOOTH NEUROPATHY, RECESSIVE INTERMEDIATE A. Identifiers: Orphanet 217055, MedGen C1842197, MONDO:0012014, OMIM 608340.
Charcot-Marie-Tooth disease axonal type 2K (CMT2K). Also called: CHARCOT-MARIE-TOOTH DISEASE, AXONAL, AUTOSOMAL RECESSIVE, TYPE 2K; CHARCOT-MARIE-TOOTH NEUROPATHY, AXONAL, TYPE 2K; Charcot-Marie-Tooth disease type 2K. Identifiers: Orphanet 101097, Orphanet 99944, MedGen C1842983, MONDO:0011916, OMIM 607831.

Allele frequency attached by ClinVar (database versions not stated): gnomAD exomes below 0.00001.

Submissions (2):

Fulgent Genetics
Classification: Pathogenic for Charcot-Marie-Tooth disease type 4A; Charcot-Marie-Tooth disease, axonal, with vocal cord paresis, autosomal recessive; Charcot-Marie-Tooth disease axonal type 2K; Charcot-Marie-Tooth disease recessive intermediate A. Last evaluated: 2024-04-10. Review status: criteria provided, single submitter. Criteria: ACMG Guidelines, 2015. Collection method: clinical testing. Allele origin: germline.

Labcorp Genetics (formerly Invitae), Labcorp
Classification: Pathogenic for Charcot-Marie-Tooth disease type 4A. Last evaluated: 2023-09-08. Review status: criteria provided, single submitter. Criteria: Invitae Variant Classification Sherloc (09022015). Collection method: clinical testing. Allele origin: germline.
Comment: For these reasons, this variant has been classified as Pathogenic. This sequence change affects the initiator methionine of the GDAP1 mRNA. The next in-frame methionine is located at codon 69. This variant is present in population databases (no rsID available, gnomAD 0.003%). Disruption of the initiator codon has been observed in individuals with autosomal recessive Charcot-Marie-Tooth disease (PMID: 29184355, 33179230). It has also been observed to segregate with disease in related individuals. ClinVar contains an entry for this variant (Variation ID: 2423924).

Literature cited by the submitters: PubMed 29184355 (cited by Labcorp Genetics (formerly Invitae), Labcorp); PubMed 33179230 (cited by Labcorp Genetics (formerly Invitae), Labcorp).

NM_018972.4(GDAP1):c.1A>G (p.Met1Val)

Genes: GDAP1 (ganglioside induced differentiation associated protein 1; plus strand), LOC130000622 (ATAC-STARR-seq lymphoblastoid active region 27542; plus strand). Cytogenetic location: 8q21.11.
Variant type: single nucleotide variant.
Coding change: c.1A>G on transcript NM_018972.4 (MANE Select); coding-DNA position 1, A replaced by G.
Protein change: p.Met1Val; changes the start codon (methionine 1).
Molecular consequence: missense variant, initiator codon variant. On other transcripts: 5 prime UTR variant (3).
Genome position (GRCh38, 1-based): chr8:74,350,462, A>G. VCF-style: chr8-74350462-A-G. GRCh37 (hg19) VCF-style: chr8-75262697-A-G.
Other names: c.-74A>G (NM_001040875.4); c.-182A>G (NM_001362929.2); c.1A>G, p.Met1Val (NM_001362930.2, NM_001362931.2); c.-134A>G (NM_001362932.2); short protein forms M1V.
Identifiers: ClinVar variation 2423924 (VCV002423924.7), dbSNP rs1474390668, ClinGen allele CA371498957.
Genomic context (GRCh38, chr8:74,350,462, plus strand): 5'-TGTGGGAGGGAGAAGTCCAGGGCGGACAGGCTGGGCGCACCCGTGCTCGCGCACCCCAAG[A>G]TGGCTGAGAGGCAGGAAGAGCAGAGAGGGAGCCCGCCCTTGAGGGCGGAAGGCAAGGCCG-3'
Protein context (NP_061845.2, residues 1-11): [Met1Val]AERQEEQRGS